The following is an entry in ClinVar:

NM_025243.4(SLC19A3):c.479T>C (p.Leu160Pro)

Gene: SLC19A3 (solute carrier family 19 member 3; minus strand). Cytogenetic location: 2q36.3.
Variant type: single nucleotide variant.
Coding change: c.479T>C on transcript NM_025243.4 (MANE Select); coding-DNA position 479, T replaced by C.
Protein change: p.Leu160Pro; replaces leucine 160 with proline.
Molecular consequence: missense variant.
Genome position (GRCh38, 1-based): chr2:227,699,236, A>G on the plus strand (T>C on the coding strand, the complement: SLC19A3 is on the minus strand). VCF-style: chr2-227699236-A-G. GRCh37 (hg19) VCF-style: chr2-228563952-A-G.
Other names: c.479T>C, p.Leu160Pro (NM_001371411.1, NM_001371412.1); c.467T>C, p.Leu156Pro (NM_001371413.1, NM_001371414.1); short protein forms L156P, L160P.
Identifiers: ClinVar variation 3343364 (VCV003343364.1).

ClinVar aggregate classification (germline): Likely pathogenic (1 of 4 stars; one submission).

Submission:

GeneDx
Classification: Likely pathogenic. Last evaluated: 2024-03-24. Review status: criteria provided, single submitter. Criteria: GeneDx Variant Classification Process June 2021. Collection method: clinical testing. Allele origin: germline. Affected: yes.
Comment: Has not been previously published as pathogenic or benign to our knowledge; Not observed at significant frequency in large population cohorts (gnomAD); In silico analysis supports that this missense variant has a deleterious effect on protein structure/function